The following is an entry in ClinVar:

ClinVar aggregate classification (germline): Benign/Likely benign. Review status: criteria provided, multiple submitters, no conflicts (2 of 4 stars). 6 submissions from 6 submitters: Benign (1); Likely benign (5). Last evaluated 2025-12-23.

Conditions:
Cardiovascular phenotype. Identifiers: MedGen CN230736.
Catecholaminergic polymorphic ventricular tachycardia (CVPT). Also called: Catecholamine-induced polymorphic ventricular tachycardia. Identifiers: Orphanet 3286, MedGen C5574922, MONDO:0017990.
Cardiomyopathy (CMYO). Also called: Cardiomyopathies. Identifiers: Orphanet 167848, MedGen C0878544, MONDO:0004994, HP:0001638. Inheritance: Various modes of inheritance.
Catecholaminergic polymorphic ventricular tachycardia 1. Also called: RYR2-Related Catecholaminergic Polymorphic Ventricular Tachycardia; VENTRICULAR TACHYCARDIA, STRESS-INDUCED POLYMORPHIC 1; VENTRICULAR TACHYCARDIA, CATECHOLAMINERGIC POLYMORPHIC, 1, WITH OR WITHOUT ATRIAL DYSFUNCTION AND/OR DILATED CARDIOMYOPATHY. Identifiers: Orphanet 3286, MedGen C1631597, MONDO:0011484, OMIM 604772.

Allele frequency attached by ClinVar (database versions not stated): TOPMed 0.00002; gnomAD 0.00003 and 0.00004; gnomAD exomes 0.00006 and 0.00007; ExAC 0.00007; ESP Exome Variant Server 0.00008.
gnomAD v4.1: 93 of 1,613,848 alleles (0.0058%); highest among the groups gnomAD compares: Admixed American, 0.0083%; no homozygotes.

Submissions (6):

Labcorp Genetics (formerly Invitae), Labcorp
Classification: Likely benign for Catecholaminergic polymorphic ventricular tachycardia 1. Last evaluated: 2025-12-23. Review status: criteria provided, single submitter. Criteria: Invitae Variant Classification Sherloc (09022015). Collection method: clinical testing. Allele origin: germline.

Blueprint Genetics
Classification: Likely benign. Last evaluated: 2024-10-30. Review status: criteria provided, single submitter. Criteria: ACMG Guidelines, 2015. Collection method: clinical testing. Allele origin: germline.

All of Us Research Program, National Institutes of Health
Classification: Likely benign for Catecholaminergic polymorphic ventricular tachycardia. Last evaluated: 2023-12-18. Review status: criteria provided, single submitter. Criteria: ACMG Guidelines, 2015. Collection method: clinical testing. Allele origin: germline. Inheritance: Autosomal dominant inheritance. Observed: 22 variant alleles, 22 heterozygotes.
Comment: This study involves interpretation of variants in research participants for the purpose of population health screening. Participant phenotype was not available at the time of variant classification. Additional details can be found in publication PMID: 35346344, PMCID: PMC8962531

Ambry Genetics
Classification: Likely benign for Cardiovascular phenotype. Last evaluated: 2020-01-10. Review status: criteria provided, single submitter. Criteria: Ambry Variant Classification Scheme 2023. Collection method: clinical testing. Allele origin: germline.

Color Diagnostics, LLC DBA Color Health
Classification: Likely benign for Cardiomyopathy. Last evaluated: 2018-09-28. Review status: criteria provided, single submitter. Criteria: ACMG Guidelines, 2015. Collection method: clinical testing. Allele origin: germline.

GeneDx
Classification: Benign. Last evaluated: 2014-03-11. Review status: criteria provided, single submitter. Criteria: GeneDx Variant Classification (06012015). Collection method: clinical testing. Allele origin: germline. Affected: yes.
Comment: This variant is considered likely benign or benign based on one or more of the following criteria: it is a conservative change, it occurs at a poorly conserved position in the protein, it is predicted to be benign by multiple in silico algorithms, and/or has population frequency not consistent with disease.

NM_001035.3(RYR2):c.3372G>A (p.Pro1124=)

Gene: RYR2 (ryanodine receptor 2; plus strand). Cytogenetic location: 1q43.
Variant type: single nucleotide variant.
Coding change: c.3372G>A on transcript NM_001035.3 (MANE Select); coding-DNA position 3372, G replaced by A.
Protein change: p.Pro1124=; no amino-acid change (proline 1124 retained).
Molecular consequence: synonymous variant.
Genome position (GRCh38, 1-based): chr1:237,566,724, G>A. VCF-style: chr1-237566724-G-A. GRCh37 (hg19) VCF-style: chr1-237730024-G-A.
Other names: p.P1124P:CCG>CCA; c.3372G>A, p.Pro1124= (LRG_402t1).
Identifiers: ClinVar variation 138942 (VCV000138942.22), dbSNP rs368017980, ClinGen allele CA009202.